The following is an entry in ClinVar:

NM_032634.4(PIGO):c.79G>A (p.Gly27Ser)

Gene: PIGO (phosphatidylinositol glycan anchor biosynthesis class O; minus strand). Cytogenetic location: 9p13.3.
Variant type: single nucleotide variant.
Coding change: c.79G>A on transcript NM_032634.4 (MANE Select); coding-DNA position 79, G replaced by A.
Protein change: p.Gly27Ser; replaces glycine 27 with serine.
Molecular consequence: missense variant.
Genome position (GRCh38, 1-based): chr9:35,095,487, C>T on the plus strand (G>A on the coding strand, the complement: PIGO is on the minus strand). VCF-style: chr9-35095487-C-T. GRCh37 (hg19) VCF-style: chr9-35095484-C-T.
Other names: c.79G>A, p.Gly27Ser (NM_001201484.2, NM_152850.4); short protein forms G27S.
Identifiers: ClinVar variation 989247 (VCV000989247.7), dbSNP rs1829630935, ClinGen allele CA373325232.

ClinVar aggregate classification (germline): Uncertain significance. Review status: criteria provided, multiple submitters, no conflicts (2 of 4 stars). 2 submissions from 2 submitters: Uncertain significance (2). Last evaluated 2024-09-30.

Conditions:
Hyperphosphatasia with impaired intellectual development syndrome 2. Also called: Hyperphosphatasia with intellectual disability syndrome 2; GLYCOSYLPHOSPHATIDYLINOSITOL BIOSYNTHESIS DEFECT 6. Identifiers: Orphanet 247262, MedGen C3553637, MONDO:0013882, OMIM 614749.

Submissions (2):

Labcorp Genetics (formerly Invitae), Labcorp
Classification: Uncertain significance for Hyperphosphatasia with impaired intellectual development syndrome 2. Last evaluated: 2024-09-30. Review status: criteria provided, single submitter. Criteria: Invitae Variant Classification Sherloc (09022015). Collection method: clinical testing. Allele origin: germline.
Comment: This sequence change replaces glycine, which is neutral and non-polar, with serine, which is neutral and polar, at codon 27 of the PIGO protein (p.Gly27Ser). This variant is not present in population databases (gnomAD no frequency). This variant has not been reported in the literature in individuals affected with PIGO-related conditions. ClinVar contains an entry for this variant (Variation ID: 989247). Invitae Evidence Modeling of protein sequence and biophysical properties (such as structural, functional, and spatial information, amino acid conservation, physicochemical variation, residue mobility, and thermodynamic stability) has been performed for this missense variant. However, the output from this modeling did not meet the statistical confidence thresholds required to predict the impact of this variant on PIGO protein function. In summary, the available evidence is currently insufficient to determine the role of this variant in disease. Therefore, it has been classified as a Variant of Uncertain Significance.

Illumina Laboratory Services, Illumina
Classification: Uncertain significance for Hyperphosphatasia with impaired intellectual development syndrome 2. Last evaluated: 2019-02-08. Review status: criteria provided, single submitter. Criteria: ICSLVariantClassificationCriteria RUGD 01 April 2020. Collection method: clinical testing. Allele origin: unknown.
Comment: The PIGO c.79G>A (p.Gly27Ser) variant is a missense variant. A literature search was performed for the gene, cDNA change, and amino acid change. No publications were found based on this search. This variant is not found in the Genome Aggregation Database in a region of good sequence coverage so the variant is presumed to be rare. Based on the limited evidence, the p.Gly27Ser variant is classified as a variant of uncertain significance for hyperphosphatasia with intellectual disability syndrome, type 2.